The following is an entry in ClinVar:

ClinVar aggregate classification (germline): Conflicting classifications of pathogenicity. Review status: criteria provided, conflicting classifications (1 of 4 stars). 9 submissions from 8 submitters: Uncertain significance (8); Likely benign (1). Last evaluated 2026-01-15.

Conditions:
SETX-related disorder. Also called: SETX-related disorders; SETX-related condition. Identifiers: MedGen CN239403.
Spastic ataxia. Identifiers: Orphanet 316226, MedGen C1849156, MONDO:0017845, HP:0002497.
Amyotrophic lateral sclerosis type 4 (ALS4). Also called: AMYOTROPHIC LATERAL SCLEROSIS 4, JUVENILE; NEURONOPATHY, DISTAL HEREDITARY MOTOR, WITH PYRAMIDAL FEATURES. Identifiers: Orphanet 357043, MedGen C1865409, MONDO:0011223, OMIM 602433.
Spinocerebellar ataxia, autosomal recessive, with axonal neuropathy 2 (SCAN2). Also called: Ataxia with Oculomotor Apraxia Type 2; ATAXIA-OCULOMOTOR APRAXIA 2; Ataxia-ocular apraxia-2; Ataxia with Oculomotor Apraxia. Identifiers: Orphanet 64753, MedGen C1853761, MONDO:0018996, OMIM 606002.
Inborn genetic diseases. Identifiers: MedGen C0950123, MeSH D030342.

Allele frequency attached by ClinVar (database versions not stated): ExAC 0.00002; gnomAD exomes 0.00003; gnomAD 0.00004 and 0.00005; TOPMed 0.00006.
gnomAD v4.1: 45 of 1,612,566 alleles (0.0028%); highest among the groups gnomAD compares: Admixed American, 0.0067%; no homozygotes.

Submissions (9):

Labcorp Genetics (formerly Invitae), Labcorp
Classification: Likely benign for Amyotrophic lateral sclerosis type 4; Spinocerebellar ataxia, autosomal recessive, with axonal neuropathy 2. Last evaluated: 2026-01-15. Review status: criteria provided, single submitter. Criteria: Invitae Variant Classification Sherloc (09022015). Collection method: clinical testing. Allele origin: germline.

PreventionGenetics, part of Exact Sciences
Classification: Uncertain significance for SETX-related condition. Last evaluated: 2025-10-21. Review status: criteria provided, single submitter. Criteria: ACMG Guidelines, 2015. Collection method: clinical testing. Allele origin: germline.
Comment: The SETX c.1468G>A variant is predicted to result in the amino acid substitution p.Val490Ile. This variant was reported as a variant of uncertain significance in an individual with sensory neuropathy (Hartley et al. 2018. PubMed ID: 28708278) and another individual with spinocerebellar ataxia (Supp. Table 4, Galatolo et al. 2021. PubMed ID: 34445196). This variant is reported in 0.0062% of alleles in individuals of European (non-Finnish) descent in gnomAD. At this time, the clinical significance of this variant is uncertain due to the absence of conclusive functional and genetic evidence.

Genome-Nilou Lab
Classification: Uncertain significance for Spinocerebellar ataxia, autosomal recessive, with axonal neuropathy 2. Last evaluated: 2023-02-08. Review status: criteria provided, single submitter. Criteria: ACMG Guidelines, 2015. Collection method: clinical testing. Allele origin: germline.

Genome-Nilou Lab
Classification: Uncertain significance for Amyotrophic lateral sclerosis type 4. Last evaluated: 2023-02-08. Review status: criteria provided, single submitter. Criteria: ACMG Guidelines, 2015. Collection method: clinical testing. Allele origin: germline.

GeneDx
Classification: Uncertain significance. Last evaluated: 2022-07-05. Review status: criteria provided, single submitter. Criteria: GeneDx Variant Classification Process June 2021. Collection method: clinical testing. Allele origin: germline. Affected: yes.
Comment: Reported previously as a variant of uncertain significance in a patient with axonal nerve conduction study findings, ataxia, dysarthria, and nystagmus; however, no segregation information was provided (Hartley et al., 2018); In silico analysis supports that this missense variant does not alter protein structure/function; This variant is associated with the following publications: (PMID: 28708278)

Ambry Genetics
Classification: Uncertain significance for Inborn genetic diseases. Last evaluated: 2021-07-14. Review status: criteria provided, single submitter. Criteria: Ambry Variant Classification Scheme 2023. Collection method: clinical testing. Allele origin: germline.
Comment: The p.V490I variant (also known as c.1468G>A), located in coding exon 8 of the SETX gene, results from a G to A substitution at nucleotide position 1468. The valine at codon 490 is replaced by isoleucine, an amino acid with highly similar properties. This variant was detected in an individual with hereditary sensory neuropathy; however, clinical details were limited (Hartley T et al. Clin Genet, 2018 02;93:301-309). This amino acid position is highly conserved in available vertebrate species. In addition, the in silico prediction for this alteration is inconclusive. Based on the supporting evidence, this variant is unlikely to be causative of amyotrophic lateral sclerosis 4 (ALS4); however, its contribution to the development of spinocerebellar ataxia with axonal neuropathy 2 (SCAN2) is uncertain.

Molecular Medicine for Neurodegenerative and Neuromuscular Diseases Unit, IRCCS Fondazione Stella Maris
Classification: Uncertain significance for Spastic ataxia. Last evaluated: 2021-01-04. Review status: criteria provided, single submitter. Criteria: ACMG Guidelines, 2015. Collection method: research. Allele origin: unknown. Affected: yes.

Athena Diagnostics
Classification: Uncertain significance. Last evaluated: 2018-02-14. Review status: criteria provided, single submitter. Criteria: Athena Diagnostics Criteria. Collection method: clinical testing. Allele origin: germline.

CeGaT Center for Human Genetics Tuebingen
Classification: Uncertain significance. Last evaluated: 2016-06-01. Review status: criteria provided, single submitter. Criteria: CeGaT Center For Human Genetics Tuebingen Variant Classification Criteria Version 2. Collection method: clinical testing. Allele origin: germline. Affected: yes. Observed: 1 variant allele.

Literature cited by the submitters: PubMed 28708278 (cited by Ambry Genetics).

NM_015046.7(SETX):c.1468G>A (p.Val490Ile)

Gene: SETX (senataxin; minus strand). Cytogenetic location: 9q34.13.
Variant type: single nucleotide variant.
Coding change: c.1468G>A on transcript NM_015046.7 (MANE Select); coding-DNA position 1468, G replaced by A.
Protein change: p.Val490Ile; replaces valine 490 with isoleucine.
Molecular consequence: missense variant.
Genome position (GRCh38, 1-based): chr9:132,330,130, C>T on the plus strand (G>A on the coding strand, the complement: SETX is on the minus strand). VCF-style: chr9-132330130-C-T. GRCh37 (hg19) VCF-style: chr9-135205517-C-T.
Other names: c.1468G>A, p.Val490Ile (NM_001351527.2, NM_001351528.2); short protein forms V490I.
Identifiers: ClinVar variation 577511 (VCV000577511.59), dbSNP rs763545230, ClinGen allele CA5297771.